The following is an entry in ClinVar:

NM_203447.4(DOCK8):c.2042C>G (p.Thr681Ser)

Gene: DOCK8 (dedicator of cytokinesis 8; plus strand). Cytogenetic location: 9p24.3.
Variant type: single nucleotide variant.
Coding change: c.2042C>G on transcript NM_203447.4 (MANE Select); coding-DNA position 2042, C replaced by G.
Protein change: p.Thr681Ser; replaces threonine 681 with serine.
Molecular consequence: missense variant.
Genome position (GRCh38, 1-based): chr9:372,219, C>G. VCF-style: chr9-372219-C-G. GRCh37 (hg19) VCF-style: chr9-372219-C-G.
Other names: c.1838C>G, p.Thr613Ser (NM_001190458.2, NM_001193536.2); short protein forms T613S, T681S.
Identifiers: ClinVar variation 1962686 (VCV001962686.5), dbSNP rs1451225581, ClinGen allele CA372761808.

ClinVar aggregate classification (germline): Uncertain significance (1 of 4 stars; one submission).

Conditions:
Combined immunodeficiency due to DOCK8 deficiency (HIES2). Also called: HYPER-IgE SYNDROME 2, AUTOSOMAL RECESSIVE, WITH RECURRENT INFECTIONS; HIES autosomal recessive; Hyper-IgE recurrent infection syndrome, autosomal recessive; HYPER-IgE RECURRENT INFECTION SYNDROME 2, AUTOSOMAL RECESSIVE; DOCK8 Deficiency. Identifiers: Orphanet 217390, MedGen C4722305, MONDO:0009478, OMIM 243700.

Allele frequency attached by ClinVar (database versions not stated): TOPMed below 0.00001; gnomAD 0.00001.
gnomAD v4.1: 1 of 1,614,036 alleles (0.000062%); highest among the groups gnomAD compares: Non-Finnish European, 0.000085%; no homozygotes.

Submission:

Labcorp Genetics (formerly Invitae), Labcorp
Classification: Uncertain significance for Combined immunodeficiency due to DOCK8 deficiency. Last evaluated: 2022-09-22. Review status: criteria provided, single submitter. Criteria: Invitae Variant Classification Sherloc (09022015). Collection method: clinical testing. Allele origin: germline.
Comment: Advanced modeling of protein sequence and biophysical properties (such as structural, functional, and spatial information, amino acid conservation, physicochemical variation, residue mobility, and thermodynamic stability) performed at Invitae indicates that this missense variant is not expected to disrupt DOCK8 protein function. In summary, the available evidence is currently insufficient to determine the role of this variant in disease. Therefore, it has been classified as a Variant of Uncertain Significance. This sequence change replaces threonine, which is neutral and polar, with serine, which is neutral and polar, at codon 681 of the DOCK8 protein (p.Thr681Ser). This variant is not present in population databases (gnomAD no frequency). This variant has not been reported in the literature in individuals affected with DOCK8-related conditions.